The following is an entry in ClinVar:

ClinVar aggregate classification (germline): Pathogenic (1 of 4 stars; one submission).

Conditions:
Familial adenomatous polyposis 1 (FAP1). Also called: POLYPOSIS, ADENOMATOUS INTESTINAL; FAMILIAL ADENOMATOUS POLYPOSIS 1, ATTENUATED. Identifiers: MedGen C2713442, MONDO:0021056, OMIM 175100. Disease mechanism: loss of function.

Submission:

Labcorp Genetics (formerly Invitae), Labcorp
Classification: Pathogenic for Familial adenomatous polyposis 1. Last evaluated: 2017-07-23. Review status: criteria provided, single submitter. Criteria: Invitae Variant Classification Sherloc (09022015). Collection method: clinical testing. Allele origin: germline.
Comment: For these reasons, this variant has been classified as Pathogenic. Truncating variants in APC are known to be pathogenic (PMID: 20685668, 17963004). In addition, numerous pathogenic truncating variants have been reported downstream of codon 661 (PMID: 20223039). This variant has not been reported in the literature in individuals with APC-related disease. This variant is not present in population databases (ExAC no frequency). This sequence change results in a premature translational stop signal in the APC gene (p.Cys661*). While this is not anticipated to result in nonsense mediated decay, it is expected to delete the last 2183 amino acids of the APC protein.

Literature cited by the submitters: PubMed 20685668; PubMed 17963004; PubMed 20223039.

NM_000038.6(APC):c.1983T>A (p.Cys661Ter)

Gene: APC (APC regulator of Wnt signaling pathway; plus strand). Cytogenetic location: 5q22.2.
Variant type: single nucleotide variant.
Coding change: c.1983T>A on transcript NM_000038.6 (MANE Select); coding-DNA position 1983, T replaced by A.
Protein change: p.Cys661Ter; replaces cysteine 661 with a stop codon.
Molecular consequence: nonsense.
Genome position (GRCh38, 1-based): chr5:112,837,577, T>A. VCF-style: chr5-112837577-T-A. GRCh37 (hg19) VCF-style: chr5-112173274-T-A.
Other names: c.1983T>A, p.Cys661Ter (NM_001127510.3, NM_001354895.2); c.1929T>A, p.Cys643Ter (NM_001127511.3); c.2037T>A, p.Cys679Ter (NM_001354896.2); c.2013T>A, p.Cys671Ter (NM_001354897.2); c.1908T>A, p.Cys636Ter (NM_001354898.2); c.1899T>A, p.Cys633Ter (NM_001354899.2); c.1860T>A, p.Cys620Ter (NM_001354900.2); c.1806T>A, p.Cys602Ter (NM_001354901.2); and 5 more; short protein forms C643*, C661*, C378*, C620*, C636*, C671*, C501*, C602*.
Identifiers: ClinVar variation 469727 (VCV000469727.10), dbSNP rs1554083862, ClinGen allele CA16025651.